The following is an entry in ClinVar:

NM_138694.4(PKHD1):c.6007_6008insGTGTGATCTG (p.Lys2003delinsSerValIleTer)

Gene: PKHD1 (PKHD1 ciliary IPT domain containing fibrocystin/polyductin; minus strand). Cytogenetic location: 6p12.2.
Variant type: Insertion.
Coding change: c.6007_6008insGTGTGATCTG on transcript NM_138694.4 (MANE Select); coding-DNA positions 6007 to 6008, GTGTGATCTG inserted.
Protein change: p.Lys2003delinsSerValIleTer.
Molecular consequence: nonsense.
Genome position: GRCh38 VCF-style: chr6-51934223-T-TCAGATCACAC. GRCh37 (hg19) VCF-style: chr6-51799021-T-TCAGATCACAC.
Other names: c.6007_6008insGTGTGATCTG, p.Lys2003delinsSerValIleTer (NM_170724.3).
Identifiers: ClinVar variation 1725689 (VCV001725689.2), dbSNP rs2537013005, ClinGen allele CA2580075446.

ClinVar aggregate classification (germline): Likely pathogenic (1 of 4 stars; one submission).

Conditions:
Polycystic kidney disease 4 (PKD4). Also called: POLYCYSTIC KIDNEY AND HEPATIC DISEASE 1; POLYCYSTIC KIDNEY DISEASE, INFANTILE, TYPE I; POLYCYSTIC KIDNEY DISEASE 4 WITH OR WITHOUT POLYCYSTIC LIVER DISEASE; PKD3; Autosomal Recessive Polycystic Kidney Disease – PKHD1. Identifiers: MedGen C4540575, MONDO:0033004, OMIM 263200.

Submission:

Myriad Genetics, Inc.
Classification: Likely pathogenic for Polycystic kidney disease 4. Last evaluated: 2021-12-05. Review status: criteria provided, single submitter. Criteria: Myriad Women's Health Autosomal Recessive and X-Linked Classification Criteria (2021). Collection method: clinical testing. Allele origin: unknown.
Comment: NM_138694.3(PKHD1):c.6007_6008ins10(K2003Sfs*4) is expected to be pathogenic in the context of autosomal recessive polycystic kidney disease, PKHD1-related. This variant is predicted to lead to an abnormal or absent protein product due to the creation of a premature termination codon in PKHD1, a gene where loss-of-function variants are known to be pathogenic. Please note: this variant was assessed in the context of healthy population screening.